The following is an entry in ClinVar:

ClinVar aggregate classification (germline): Uncertain significance (1 of 4 stars; one submission).

Submission:

Dasa
Classification: Uncertain significance. Last evaluated: 2025-08-17. Review status: criteria provided, single submitter. Criteria: DASA Assertion Criteria. Collection method: clinical testing. Allele origin: germline.
Comment: NM_020791.4(TAOK1):c.2026G>C (p.Glu676Gln) is a missense variant that results in the substitution of glutamic acid with glutamine. This variant is absent from population databases. The currently available literature and clinical evidence are not sufficient to establish a definitive association between this variant and the reported condition. Therefore, this variant is classified as a variant of uncertain significance.

NM_020791.4(TAOK1):c.2026G>C (p.Glu676Gln)

Gene: TAOK1 (TAO kinase 1; plus strand). Cytogenetic location: 17q11.2.
Variant type: single nucleotide variant.
Coding change: c.2026G>C on transcript NM_020791.4 (MANE Select); coding-DNA position 2026, G replaced by C.
Protein change: p.Glu676Gln; replaces glutamic acid 676 with glutamine.
Molecular consequence: missense variant. On other transcripts: intron variant (1).
Genome position (GRCh38, 1-based): chr17:29,522,397, G>C. VCF-style: chr17-29522397-G-C. GRCh37 (hg19) VCF-style: chr17-27849415-G-C.
Other names: c.1705-8010G>C (NM_025142.1); short protein forms E676Q.
Identifiers: ClinVar variation 4883453 (VCV004883453.2).